The following is an entry in ClinVar:

ClinVar aggregate classification (germline): Benign (1 of 4 stars; one submission).

Conditions:
Multicentric carpo-tarsal osteolysis with or without nephropathy. Also called: Multicentric Osteolysis of Carpal Bones and Nephropathy; OSTEOLYSIS, HEREDITARY, OF CARPAL BONES WITH OR WITHOUT NEPHROPATHY; Carnevale Canun Mendoza syndrome; MULTICENTRIC OSTEOLYSIS, AUTOSOMAL DOMINANT; Multicentric Carpotarsal Osteolysis with or without Nephropathy; MULTICENTRIC CARPOTARSAL OSTEOLYSIS SYNDROME. Identifiers: Orphanet 2774, MedGen C2674705, MONDO:0008152, OMIM 166300.

Allele frequency attached by ClinVar (database versions not stated): gnomAD 0.00160 and 0.00147; 1000 Genomes Project 0.00200; 1000 Genomes Project 30x 0.00203; TOPMed 0.00157; gnomAD exomes 0.00016.
gnomAD v4.1: 265 of 391,386 alleles (0.068%); highest among the groups gnomAD compares: African/African-American, 0.51%; no homozygotes.

Submission:

Illumina Laboratory Services, Illumina
Classification: Benign for Multicentric carpo-tarsal osteolysis with or without nephropathy. Last evaluated: 2018-01-13. Review status: criteria provided, single submitter. Criteria: ICSL Variant Classification Criteria 13 December 2019. Collection method: clinical testing. Allele origin: germline.
Comment: This variant was observed in the ICSL laboratory as part of a predisposition screen in an ostensibly healthy population. It had not been previously curated by ICSL or reported in the Human Gene Mutation Database (HGMD: prior to June 1st, 2018), and was therefore a candidate for classification through an automated scoring system. Utilizing variant allele frequency, disease prevalence and penetrance estimates, and inheritance mode, an automated score was calculated to assess if this variant is too frequent to cause the disease. Based on the score and internal cut-off values, a variant classified as benign is not then subjected to further curation. The score for this variant resulted in a classification of benign for this disease.

NM_005461.5(MAFB):c.-310G>A

Genes: MAFB (MAF bZIP transcription factor B; minus strand), LOC130065872 (ATAC-STARR-seq lymphoblastoid silent region 12909; plus strand). Cytogenetic location: 20q12.
Variant type: single nucleotide variant.
Coding change: c.-310G>A on transcript NM_005461.5 (MANE Select); 310 bases upstream of the start codon, G replaced by A.
Molecular consequence: 5 prime UTR variant.
Genome position (GRCh38, 1-based): chr20:40,689,160, C>T on the plus strand (G>A on the coding strand, the complement: MAFB is on the minus strand). VCF-style: chr20-40689160-C-T. GRCh37 (hg19) VCF-style: chr20-39317800-C-T.
Identifiers: ClinVar variation 338420 (VCV000338420.5), dbSNP rs567415398, ClinGen allele CA10643870.
Genomic context (GRCh38, chr20:40,689,160, plus strand): 5'-GGCGGGGTGGAGAGGCAAGCGGAGCGCGCGGTGGGGCTGAGGGGAGGCGTGGGGCGAGTG[C>T]CCGTTGCTCGCTCTCTAGCTCTCTTGCTCTTACGCTCTCTCGCTCGCAGCCGCTCGCAGC-3'